The following is an entry in ClinVar:

NM_000632.4(ITGAM):c.2670C>G (p.Ser890=)

Gene: ITGAM (integrin subunit alpha M; plus strand). Cytogenetic location: 16p11.2.
Variant type: single nucleotide variant.
Coding change: c.2670C>G on transcript NM_000632.4 (MANE Select); coding-DNA position 2670, C replaced by G.
Protein change: p.Ser890=; no amino-acid change (serine 890 retained).
Molecular consequence: synonymous variant.
Genome position (GRCh38, 1-based): chr16:31,326,897, C>G. VCF-style: chr16-31326897-C-G. GRCh37 (hg19) VCF-style: chr16-31338218-C-G.
Other names: c.2670C>G (NM_000632.3); c.2673C>G, p.Ser891= (NM_001145808.2).
Identifiers: ClinVar variation 1636816 (VCV001636816.10), dbSNP rs371245740, ClinGen allele CA8025904.

ClinVar aggregate classification (germline): Benign. Review status: criteria provided, single submitter (1 of 4 stars). 2 submissions from 2 submitters: Benign (1). 1 of the submissions does not count toward it. Last evaluated 2026-02-01.

Conditions:
ITGAM-related disorder. Also called: ITGAM-related condition.

Allele frequency attached by ClinVar (database versions not stated): gnomAD exomes 0.00007; 1000 Genomes Project 30x 0.00062; 1000 Genomes Project 0.00080; gnomAD 0.00099 and 0.00110; TOPMed 0.00105; ESP Exome Variant Server 0.00123.
gnomAD v4.1: 255 of 1,613,578 alleles (0.016%); highest among the groups gnomAD compares: African/African-American, 0.32%; no homozygotes.

Submissions (2):

Labcorp Genetics (formerly Invitae), Labcorp
Classification: Benign. Last evaluated: 2026-02-01. Review status: criteria provided, single submitter. Criteria: Invitae Variant Classification Sherloc (09022015). Collection method: clinical testing. Allele origin: germline.

PreventionGenetics, part of Exact Sciences
Classification: Likely benign for ITGAM-related condition. Last evaluated: 2019-02-19. Review status: no assertion criteria provided. Collection method: clinical testing. Allele origin: germline. Not counted in ClinVar's aggregate classification.
Comment: This variant is classified as likely benign based on ACMG/AMP sequence variant interpretation guidelines (Richards et al. 2015 PMID: 25741868, with internal and published modifications).